The following is an entry in ClinVar:

NM_000548.5(TSC2):c.1051_1052insGGCCGGGCGCGGTGGCTCGCGCCTGTAGTCCCAGCTCTTAGGGAGGCCGAGGCAGGAGGATCTAGAGTACAGGAGAACCGGAGCATCNNNNNNNNNNAAAAAAAAAAAAAAAAAAAAAAGAAGTATAGGA (p.Lys351delinsArgProGlyAlaValAlaArgAlaCysSerProSerSerTer)

Gene: TSC2 (TSC complex subunit 2; plus strand). Cytogenetic location: 16p13.3.
Variant type: Microsatellite.
Coding change: c.1051_1052insGGCCGGGCGCGGTGGCTCGCGCCTGTAGTCCCAGCTCTTAGGGAGGCCGAGGCAGGAGGATCTAGAGTACAGGAGAACCGGAGCATCNNNNNNNNNNAAAAAAAAAAAAAAAAAAAAAAGAAGTATAGGA on transcript NM_000548.5 (MANE Select); coding-DNA positions 1051 to 1052, GGCCGGGCGCGGTGGCTCGCGCCTGTAGTCCCAGCTCTTAGGGAGGCCGAGGCAGGAGGATCTAGAGTACAGGAGAACCGGAGCATCNNNNNNNNNNAAAAAAAAAAAAAAAAAAAAAAGAAGTATAGGA inserted.
Protein change: p.Lys351delinsArgProGlyAlaValAlaArgAlaCysSerProSerSerTer.
Molecular consequence: nonsense. On other transcripts: inframe indel (22).
Genome position: GRCh38: chr16:2,060,733-2,060,745. GRCh37 (hg19): chr16:2,110,734-2,110,746.
Other names: c.1051_1052insGGCCGGGCGCGGTGGCTCGCGCCTGTAGTCCCAGCTCTTAGGGAGGCCGAGGCAGGAGGATCTAGAGTACAGGAGAACCGGAGCATCNNNNNNNNNNAAAAAAAAAAAAAAAAAAAAAAGAAGTATAGGA, p.Lys351delinsArgProGlyAlaValAlaArgAlaCysSerProSerSerTer (NM_001077183.3, NM_001114382.3, NM_001363528.2 and 3 more transcripts); c.940_941insGGCCGGGCGCGGTGGCTCGCGCCTGTAGTCCCAGCTCTTAGGGAGGCCGAGGCAGGAGGATCTAGAGTACAGGAGAACCGGAGCATCNNNNNNNNNNAAAAAAAAAAAAAAAAAAAAAAGAAGTATAGGA, p.Lys314delinsArgProGlyAlaValAlaArgAlaCysSerProSerSerTer (NM_001318827.2); c.904_905insGGCCGGGCGCGGTGGCTCGCGCCTGTAGTCCCAGCTCTTAGGGAGGCCGAGGCAGGAGGATCTAGAGTACAGGAGAACCGGAGCATCNNNNNNNNNNAAAAAAAAAAAAAAAAAAAAAAGAAGTATAGGA, p.Lys302delinsArgProGlyAlaValAlaArgAlaCysSerProSerSerTer (NM_001318829.2); c.451_452insGGCCGGGCGCGGTGGCTCGCGCCTGTAGTCCCAGCTCTTAGGGAGGCCGAGGCAGGAGGATCTAGAGTACAGGAGAACCGGAGCATCNNNNNNNNNNAAAAAAAAAAAAAAAAAAAAAAGAAGTATAGGA, p.Lys151delinsArgProGlyAlaValAlaArgAlaCysSerProSerSerTer (NM_001318831.2); c.1084_1085insGGCCGGGCGCGGTGGCTCGCGCCTGTAGTCCCAGCTCTTAGGGAGGCCGAGGCAGGAGGATCTAGAGTACAGGAGAACCGGAGCATCNNNNNNNNNNAAAAAAAAAAAAAAAAAAAAAAGAAGTATAGGA, p.Lys362delinsArgProGlyAlaValAlaArgAlaCysSerProSerSerTer (NM_001318832.2); c.1039_1041AAG[2], p.Tyr349_Lys351del (NM_001406663.1, NM_001406664.1, NM_001406665.1); c.1129_1131AAG[2], p.Tyr379_Lys381del (NM_001406667.1, NM_001406668.1); c.928_930AAG[2], p.Tyr312_Lys314del (NM_001406670.1, NM_001406678.1); and 8 more.
Identifiers: ClinVar variation 2014276 (VCV002014276.4).

ClinVar aggregate classification (germline): Pathogenic (1 of 4 stars; one submission).

Conditions:
Tuberous sclerosis 2 (TSC2). Identifiers: Orphanet 805, MedGen C1860707, MONDO:0013199, OMIM 613254.

Submission:

Labcorp Genetics (formerly Invitae), Labcorp
Classification: Pathogenic for Tuberous sclerosis 2. Last evaluated: 2022-07-05. Review status: criteria provided, single submitter. Criteria: Invitae Variant Classification Sherloc (09022015). Collection method: clinical testing. Allele origin: germline.
Comment: Retrotransposon insertions including LINE1 (L1), Alu, and SVA (SINE-VNTR-Alu) have been reported to be disease-causing through disruption of either a coding region or splice site (PMID: 19763152, 20307669, 22406018) and loss-of-function variants in TSC2 are known to be pathogenic (PMID: 10205261, 17304050). Algorithms developed to predict the effect of sequence changes on RNA splicing suggest that this variant may disrupt the consensus splice site. This variant has not been reported in the literature in individuals affected with TSC2-related conditions. This variant is not present in population databases (gnomAD no frequency). This sequence change inserts a large fragment of DNA, likely a transposable element, in exon 11 of the TSC2 gene (c.1051_1052ins?), causing a frameshift at codon 351 (p.Lys351fs). The exact size and sequence of the insertion cannot be determined by the current assay. However, the insertion is expected to result in an absent or disrupted protein product. For these reasons, this variant has been classified as Pathogenic.

Literature cited by the submitters: PubMed 19763152; PubMed 20307669; PubMed 22406018; PubMed 10205261; PubMed 17304050.